The following is an entry in ClinVar:

ClinVar aggregate classification (germline): Benign/Likely benign. Review status: criteria provided, multiple submitters, no conflicts (2 of 4 stars). 14 submissions from 13 submitters: Benign (10); Likely benign (1). 3 of the submissions do not count toward it. Last evaluated 2026-02-04.

Conditions:
Dyskeratosis congenita, autosomal recessive 5 (DKCB5). Identifiers: MedGen C3554656, MONDO:0014076, OMIM 615190.
Pulmonary fibrosis and/or bone marrow failure, Telomere-related, 3. Also called: PULMONARY FIBROSIS AND/OR BONE MARROW FAILURE SYNDROME, TELOMERE-RELATED, 3. Identifiers: Orphanet 2032, MedGen C4225346, MONDO:0014613, OMIM 616373.
Dyskeratosis congenita. Identifiers: Orphanet 1775, MedGen C0265965, MONDO:0015780.

Allele frequency attached by ClinVar (database versions not stated): gnomAD 0.81476 and 0.80403; 1000 Genomes Project 0.71825; 1000 Genomes Project 30x 0.72626; ESP Exome Variant Server 0.82776; gnomAD exomes 0.74230 and 0.75590; ExAC 0.74863; TOPMed 0.80436.
gnomAD v4.1: 1,225,139 of 1,611,728 alleles (76%); highest among the groups gnomAD compares: African/African-American, 94%; 472,506 homozygotes.

Submissions (14):

Labcorp Genetics (formerly Invitae), Labcorp
Classification: Benign for Dyskeratosis congenita, autosomal recessive 5; Pulmonary fibrosis and/or bone marrow failure, Telomere-related, 3. Last evaluated: 2026-02-04. Review status: criteria provided, single submitter. Criteria: Invitae Variant Classification Sherloc (09022015). Collection method: clinical testing. Allele origin: germline.

ARUP Laboratories, Molecular Genetics and Genomics, ARUP Laboratories
Classification: Benign. Last evaluated: 2025-07-21. Review status: criteria provided, single submitter. Criteria: ARUP Molecular Germline Variant Investigation Process 2024. Collection method: clinical testing. Allele origin: germline.

Blueprint Genetics
Classification: Likely benign. Last evaluated: 2024-11-28. Review status: criteria provided, single submitter. Criteria: ACMG Guidelines, 2015. Collection method: clinical testing. Allele origin: germline.

Unidad de Genómica Garrahan, Hospital de Pediatría Garrahan
Classification: Benign. Last evaluated: 2024-01-24. Review status: criteria provided, single submitter. Criteria: ACMG Guidelines, 2015. Collection method: clinical testing. Allele origin: germline. Affected: no. Observed: 85 variant alleles.
Comment: This variant is classified as Benign based on local population frequency. This variant was detected in 89% of patients studied by a panel of primary immunodeficiencies. Number of patients: 85. Only high quality variants are reported.

Genome-Nilou Lab
Classification: Benign for Dyskeratosis congenita, autosomal recessive 5. Last evaluated: 2021-07-10. Review status: criteria provided, single submitter. Criteria: ACMG Guidelines, 2015. Collection method: clinical testing. Allele origin: germline. Affected: no.

Genome-Nilou Lab
Classification: Benign for Pulmonary fibrosis and/or bone marrow failure, Telomere-related, 3. Last evaluated: 2021-07-10. Review status: criteria provided, single submitter. Criteria: ACMG Guidelines, 2015. Collection method: clinical testing. Allele origin: germline. Affected: no.

GeneDx
Classification: Benign. Last evaluated: 2019-01-14. Review status: criteria provided, single submitter. Criteria: GeneDx Variant Classification Process June 2021. Collection method: clinical testing. Allele origin: germline. Affected: yes.
Comment: This variant is associated with the following publications: (PMID: 30462709)

Laboratory for Molecular Medicine, Mass General Brigham Personalized Medicine
Classification: Benign. Last evaluated: 2018-03-21. Review status: criteria provided, single submitter. Criteria: LMM Criteria. Collection method: clinical testing. Allele origin: germline. Observed: 1 variant allele.
Comment: This "variant" is the major allele. The T allele is also present at a high allel e frequency (25%) and would therefore also be benign.

Women's Health and Genetics/Laboratory Corporation of America, LabCorp
Classification: Benign. Last evaluated: 2017-07-10. Review status: criteria provided, single submitter. Criteria: LabCorp Variant Classification Summary - May 2015. Collection method: clinical testing. Allele origin: germline.
Comment: Variant summary: The c.2064T>C (p.Asp688=) in RTEL1 gene is a synonymous change that involves a non-conserved nucleotide. 5/5 programs in Alamut predict that this does not affect a normal splicing pattern, however no functional studies supporting these predictions were published at the time of evaluation. The variant is present in the control population dataset of ExAC at frequency of 0.749 89112/119034 chrs tested), including numerous homozygous occurrences. This frequency exceeds the estimated maximum allele frequency for a pathogenic allele in this gene (0.0011). In addition, the variant is cited as Benign/Polymorphism by a reputable database/clinical laboratory. Taking together, based on the prevalence of this variant in general population the variant was classified as Benign.

Mayo Clinic Laboratories, Mayo Clinic
Classification: Benign. Last evaluated: 2016-09-21. Review status: criteria provided, single submitter. Criteria: ACMG Guidelines, 2015. Collection method: clinical testing. Allele origin: germline. Observed: 1,127 variant alleles.

Breakthrough Genomics
Classification: Benign. Review status: criteria provided, single submitter. Criteria: ACMG Guidelines, 2015. Collection method: not provided. Allele origin: germline. Inheritance: Autosomal recessive inheritance. Affected: yes.

Natera, Inc.
Classification: Benign for Dyskeratosis congenita. Last evaluated: 2020-09-16. Review status: no assertion criteria provided. Collection method: clinical testing. Allele origin: germline. Not counted in ClinVar's aggregate classification.

Clinical Genetics DNA and cytogenetics Diagnostics Lab, Erasmus MC, Erasmus Medical Center
Classification: Benign. Review status: no assertion criteria provided. Collection method: clinical testing. Allele origin: germline. Affected: yes. Study: VKGL Data-share Consensus. Not counted in ClinVar's aggregate classification.

Joint Genome Diagnostic Labs from Nijmegen and Maastricht, Radboudumc and MUMC+
Classification: Benign. Review status: no assertion criteria provided. Collection method: clinical testing. Allele origin: germline. Affected: yes. Study: VKGL Data-share Consensus. Not counted in ClinVar's aggregate classification.

NM_001283009.2(RTEL1):c.1992T>C (p.Asp664=)

Genes: RTEL1 (regulator of telomere elongation helicase 1; plus strand), RTEL1-TNFRSF6B (RTEL1-TNFRSF6B readthrough (NMD candidate); plus strand). Cytogenetic location: 20q13.33.
Variant type: single nucleotide variant.
Coding change: c.1992T>C on transcript NM_001283009.2 (MANE Select); coding-DNA position 1992, T replaced by C.
Protein change: p.Asp664=; no amino-acid change (aspartic acid 664 retained).
Molecular consequence: synonymous variant. On other transcripts: non-coding transcript variant (1).
Genome position (GRCh38, 1-based): chr20:63,689,615, T>C. VCF-style: chr20-63689615-T-C. GRCh37 (hg19) VCF-style: chr20-62320968-T-C.
Other names: p.Asp688=; c.1323T>C, p.Asp441= (NM_001283010.1); c.1992T>C, p.Asp664= (NM_016434.4); c.2064T>C, p.Asp688= (NM_032957.5).
Identifiers: ClinVar variation 403398 (VCV000403398.28), dbSNP rs6062302, ClinGen allele CA9965100.
Genomic context (GRCh38, chr20:63,689,615, plus strand): 5'-GGGCCTCCCGTACCCCCCACGCATGGACCCCCGGGTTGTCCTCAAGATGCAGTTCCTGGA[T>C]GAGATGAAGGGCCAGGGTGGGGCTGGGGGCCAGGTGAGTTACAGCAGGGTGGGGCTGGGG-3'
Protein context (NP_001269938.1, residues 654-674): PRVVLKMQFL[Asp664=]EMKGQGGAGG